The following is an entry in ClinVar:

ClinVar aggregate classification (germline): Likely benign (0 of 4 stars; one submission).

Conditions:
JMJD7-related disorder. Also called: JMJD7-related condition.

Allele frequency attached by ClinVar (database versions not stated): 1000 Genomes Project 30x 0.00250; 1000 Genomes Project 0.00260; gnomAD 0.00438; ExAC 0.00442; TOPMed 0.00460; ESP Exome Variant Server 0.00612.

Submission:

PreventionGenetics, part of Exact Sciences
Classification: Likely benign for JMJD7-related condition. Last evaluated: 2019-05-01. Review status: no assertion criteria provided. Collection method: clinical testing. Allele origin: germline.
Comment: This variant is classified as likely benign based on ACMG/AMP sequence variant interpretation guidelines (Richards et al. 2015 PMID: 25741868, with internal and published modifications).

NM_001114632.2(JMJD7):c.779G>A (p.Arg260His)

Genes: JMJD7 (jumonji domain containing 7; plus strand), JMJD7-PLA2G4B (JMJD7-PLA2G4B readthrough; plus strand). Cytogenetic location: 15q15.1.
Variant type: single nucleotide variant.
Coding change: c.779G>A on transcript NM_001114632.2 (MANE Select); coding-DNA position 779, G replaced by A.
Protein change: p.Arg260His; replaces arginine 260 with histidine.
Molecular consequence: missense variant. On other transcripts: intron variant (2).
Genome position (GRCh38, 1-based): chr15:41,836,857, G>A. VCF-style: chr15-41836857-G-A. GRCh37 (hg19) VCF-style: chr15-42129055-G-A.
Other names: c.702+306G>A (NM_005090.4, NM_001198588.2); short protein forms R260H.
Identifiers: ClinVar variation 3055559 (VCV003055559.2), dbSNP rs151336937, ClinGen allele CA7499262.